The following is an entry in ClinVar:

NM_004369.4(COL6A3):c.3001A>G (p.Lys1001Glu)

Gene: COL6A3 (collagen type VI alpha 3 chain; minus strand). Cytogenetic location: 2q37.3.
Variant type: single nucleotide variant.
Coding change: c.3001A>G on transcript NM_004369.4 (MANE Select); coding-DNA position 3001, A replaced by G.
Protein change: p.Lys1001Glu; replaces lysine 1001 with glutamic acid.
Molecular consequence: missense variant.
Genome position (GRCh38, 1-based): chr2:237,376,841, T>C on the plus strand (A>G on the coding strand, the complement: COL6A3 is on the minus strand). VCF-style: chr2-237376841-T-C. GRCh37 (hg19) VCF-style: chr2-238285484-T-C.
Other names: c.1780A>G, p.Lys594Glu (NM_057164.5); c.2383A>G, p.Lys795Glu (NM_057165.5, NM_057167.4); c.1180A>G, p.Lys394Glu (NM_057166.5); c.3001A>G (NM_004369.3); short protein forms K1001E, K394E, K594E, K795E.
Identifiers: ClinVar variation 1002197 (VCV001002197.16), dbSNP rs977976932, ClinGen allele CA67825139.

ClinVar aggregate classification (germline): Conflicting classifications of pathogenicity. Review status: criteria provided, conflicting classifications (1 of 4 stars). 3 submissions from 3 submitters: Uncertain significance (2); Likely benign (1). Last evaluated 2025-10-21.

Conditions:
Inborn genetic diseases. Identifiers: MedGen C0950123, MeSH D030342.
Bethlem myopathy 1A. Also called: Bethlem myopathy 1; MYOPATHY, BENIGN CONGENITAL, WITH CONTRACTURES; Bethlem Muscular Dystrophy. Identifiers: Orphanet 610, MedGen CN029274, MONDO:0024530, OMIM 158810.

Allele frequency attached by ClinVar (database versions not stated): gnomAD exomes 0.00002; TOPMed 0.00003.
gnomAD v4.1: 11 of 1,614,042 alleles (0.00068%); highest among the groups gnomAD compares: Admixed American, 0.015%; no homozygotes.

Submissions (3):

Labcorp Genetics (formerly Invitae), Labcorp
Classification: Likely benign for Bethlem myopathy 1A. Last evaluated: 2025-10-21. Review status: criteria provided, single submitter. Criteria: Invitae Variant Classification Sherloc (09022015). Collection method: clinical testing. Allele origin: germline.

CeGaT Center for Human Genetics Tuebingen
Classification: Uncertain significance. Last evaluated: 2025-10-01. Review status: criteria provided, single submitter. Criteria: CeGaT Center For Human Genetics Tuebingen Variant Classification Criteria Version 2. Collection method: clinical testing. Allele origin: germline. Affected: yes. Observed: 1 variant allele.
Comment: COL6A3: PM2

Ambry Genetics
Classification: Uncertain significance for Inborn genetic diseases. Last evaluated: 2025-08-29. Review status: criteria provided, single submitter. Criteria: Ambry Variant Classification Scheme 2023. Collection method: clinical testing. Allele origin: germline.